The following is an entry in ClinVar:

NM_002109.6(HARS1):c.951+6T>A

Gene: HARS1 (histidyl-tRNA synthetase 1; minus strand). Cytogenetic location: 5q31.3.
Variant type: single nucleotide variant.
Coding change: c.951+6T>A on transcript NM_002109.6 (MANE Select); 6 bases into the intron after coding-DNA position 951, T replaced by A.
Molecular consequence: intron variant.
Genome position (GRCh38, 1-based): chr5:140,676,983, A>T on the plus strand (T>A on the coding strand, the complement: HARS1 is on the minus strand). VCF-style: chr5-140676983-A-T. GRCh37 (hg19) VCF-style: chr5-140056568-A-T.
Other names: c.864+6T>A (NM_001289094.2); c.609+6T>A (NM_001289093.2); c.771+6T>A (NM_001258042.3); c.831+6T>A (NM_001258040.3); c.729+6T>A (NM_001289092.2); c.891+6T>A (NM_001258041.3).
Identifiers: ClinVar variation 4771654 (VCV004771654.1).

ClinVar aggregate classification (germline): Uncertain significance (1 of 4 stars; one submission).

Conditions:
Usher syndrome type 3B. Also called: USHER SYNDROME, TYPE IIIB. Identifiers: MedGen C3281066, MONDO:0013788, OMIM 614504.

gnomAD v4.1: 2 of 1,614,094 alleles (0.00012%); highest among the groups gnomAD compares: Non-Finnish European, 0.00017%; no homozygotes.

Submission:

Labcorp Genetics (formerly Invitae), Labcorp
Classification: Uncertain significance for Usher syndrome type 3B. Last evaluated: 2025-08-17. Review status: criteria provided, single submitter. Criteria: Invitae Variant Classification Sherloc (09022015). Collection method: clinical testing. Allele origin: germline.
Comment: This sequence change falls in intron 9 of the HARS gene. It does not directly change the encoded amino acid sequence of the HARS protein. It affects a nucleotide within the consensus splice site. This variant is not present in population databases (gnomAD no frequency). This variant has not been reported in the literature in individuals affected with HARS-related conditions. Variants that disrupt the consensus splice site are a relatively common cause of aberrant splicing (PMID: 17576681, 9536098). Algorithms developed to predict the effect of sequence changes on RNA splicing suggest that this variant is not likely to affect RNA splicing. In summary, the available evidence is currently insufficient to determine the role of this variant in disease. Therefore, it has been classified as a Variant of Uncertain Significance.

Literature cited by the submitters: PubMed 17576681; PubMed 9536098.